The following is an entry in ClinVar:

NM_005236.3(ERCC4):c.1856A>G (p.Tyr619Cys)

Gene: ERCC4 (ERCC excision repair 4, endonuclease catalytic subunit; plus strand). Cytogenetic location: 16p13.12.
Variant type: single nucleotide variant.
Coding change: c.1856A>G on transcript NM_005236.3 (MANE Select); coding-DNA position 1856, A replaced by G.
Protein change: p.Tyr619Cys; replaces tyrosine 619 with cysteine.
Molecular consequence: missense variant.
Genome position (GRCh38, 1-based): chr16:13,937,810, A>G. VCF-style: chr16-13937810-A-G. GRCh37 (hg19) VCF-style: chr16-14031667-A-G.
Other names: short protein forms Y619C.
Identifiers: ClinVar variation 2201213 (VCV002201213.4), dbSNP rs750205235, ClinGen allele CA7910576.

ClinVar aggregate classification (germline): Uncertain significance (1 of 4 stars; one submission).

Conditions:
Xeroderma pigmentosum, group F (XPF). Also called: XERODERMA PIGMENTOSUM VI; XP, GROUP F; XERODERMA PIGMENTOSUM, COMPLEMENTATION GROUP F; ERCC4-Related Xeroderma Pigmentosum; XERODERMA PIGMENTOSUM, TYPE F; Xeroderma pigmentosum, type 6. Identifiers: MedGen C0268140, MONDO:0010215, OMIM 278760.
Cockayne syndrome. Identifiers: Orphanet 191, MedGen C0009207, MONDO:0016006.
Fanconi anemia complementation group Q. Identifiers: Orphanet 84, MedGen C3808988, MONDO:0014108, OMIM 615272.

Allele frequency attached by ClinVar (database versions not stated): ExAC 0.00001; gnomAD exomes 0.00001; TOPMed 0.00001.
gnomAD v4.1: 8 of 1,613,806 alleles (0.0005%); highest among the groups gnomAD compares: East Asian, 0.0022%; no homozygotes.

Submission:

Labcorp Genetics (formerly Invitae), Labcorp
Classification: Uncertain significance for Fanconi anemia complementation group Q; Xeroderma pigmentosum, group F; Cockayne syndrome. Last evaluated: 2023-11-28. Review status: criteria provided, single submitter. Criteria: Invitae Variant Classification Sherloc (09022015). Collection method: clinical testing. Allele origin: germline.
Comment: This sequence change replaces tyrosine, which is neutral and polar, with cysteine, which is neutral and slightly polar, at codon 619 of the ERCC4 protein (p.Tyr619Cys). This variant is present in population databases (rs750205235, gnomAD 0.007%). This variant has not been reported in the literature in individuals affected with ERCC4-related conditions. ClinVar contains an entry for this variant (Variation ID: 2201213). Advanced modeling of protein sequence and biophysical properties (such as structural, functional, and spatial information, amino acid conservation, physicochemical variation, residue mobility, and thermodynamic stability) performed at Invitae indicates that this missense variant is expected to disrupt ERCC4 protein function with a positive predictive value of 80%. In summary, the available evidence is currently insufficient to determine the role of this variant in disease. Therefore, it has been classified as a Variant of Uncertain Significance.